The following is an entry in ClinVar:

ClinVar aggregate classification (germline): Likely pathogenic. Review status: criteria provided, multiple submitters, no conflicts (2 of 4 stars). 2 submissions from 2 submitters: Likely pathogenic (2). Last evaluated 2022-05-29.

Conditions:
TRPM1-related disorder. Also called: TRPM1-related condition.

gnomAD v4.1: 1 of 1,613,596 alleles (0.000062%); highest among the groups gnomAD compares: Non-Finnish European, 0.000085%; no homozygotes.

Submissions (2):

Labcorp Genetics (formerly Invitae), Labcorp
Classification: Likely pathogenic. Last evaluated: 2022-05-29. Review status: criteria provided, single submitter. Criteria: Invitae Variant Classification Sherloc (09022015). Collection method: clinical testing. Allele origin: germline.
Comment: This sequence change affects a donor splice site in intron 23 of the TRPM1 gene. It is expected to disrupt RNA splicing. Variants that disrupt the donor or acceptor splice site typically lead to a loss of protein function (PMID: 16199547), and loss-of-function variants in TRPM1 are known to be pathogenic (PMID: 19896113, 19966281, 20300565). This variant is not present in population databases (gnomAD no frequency). This variant has not been reported in the literature in individuals affected with TRPM1-related conditions. Algorithms developed to predict the effect of sequence changes on RNA splicing suggest that this variant may disrupt the consensus splice site. In summary, the currently available evidence indicates that the variant is pathogenic, but additional data are needed to prove that conclusively. Therefore, this variant has been classified as Likely Pathogenic.

Blueprint Genetics
Classification: Likely pathogenic for TRPM1-related disorders. Last evaluated: 2022-05-11. Review status: criteria provided, single submitter. Criteria: ACMG Guidelines, 2015. Collection method: clinical testing. Allele origin: germline. Affected: yes. Observed: 2 variant alleles.

Literature cited by the submitters: PubMed 16199547 (cited by Labcorp Genetics (formerly Invitae), Labcorp); PubMed 19896113 (cited by Labcorp Genetics (formerly Invitae), Labcorp); PubMed 19966281 (cited by Labcorp Genetics (formerly Invitae), Labcorp); PubMed 20300565 (cited by Labcorp Genetics (formerly Invitae), Labcorp).

NM_001252024.2(TRPM1):c.3148+1G>T

Genes: TRPM1 (transient receptor potential cation channel subfamily M member 1; minus strand), TRPM1-AS1 (TRPM1 antisense RNA 1; plus strand). Cytogenetic location: 15q13.3.
Variant type: single nucleotide variant.
Coding change: c.3148+1G>T on transcript NM_001252024.2 (MANE Select); the canonical splice donor site of the intron after coding-DNA position 3148, G replaced by T.
Molecular consequence: splice donor variant.
Genome position (GRCh38, 1-based): chr15:31,029,370, C>A on the plus strand (G>T on the coding strand, the complement: TRPM1 is on the minus strand). VCF-style: chr15-31029370-C-A. GRCh37 (hg19) VCF-style: chr15-31321573-C-A.
Other names: c.3199+1G>T (NM_001252020.2); c.3082+1G>T (NM_002420.6).
Identifiers: ClinVar variation 1993849 (VCV001993849.5), dbSNP rs779821510, ClinGen allele CA391544297.